The following is an entry in ClinVar:

ClinVar aggregate classification (germline): Uncertain significance (1 of 4 stars; one submission).

Submission:

GeneDx
Classification: Uncertain significance. Last evaluated: 2022-09-14. Review status: criteria provided, single submitter. Criteria: GeneDx Variant Classification Process June 2021. Collection method: clinical testing. Allele origin: germline. Affected: yes.
Comment: Not observed at significant frequency in large population cohorts (gnomAD); In silico analysis supports that this missense variant has a deleterious effect on protein structure/function; Has not been previously published as pathogenic or benign to our knowledge; This variant is associated with the following publications: (PMID: 26100331, 25609763, 25512093)

NM_001376.5(DYNC1H1):c.4505A>C (p.Asn1502Thr)

Gene: DYNC1H1 (dynein cytoplasmic 1 heavy chain 1; plus strand). Cytogenetic location: 14q32.31.
Variant type: single nucleotide variant.
Coding change: c.4505A>C on transcript NM_001376.5 (MANE Select); coding-DNA position 4505, A replaced by C.
Protein change: p.Asn1502Thr; replaces asparagine 1502 with threonine.
Molecular consequence: missense variant.
Genome position (GRCh38, 1-based): chr14:102,001,644, A>C. VCF-style: chr14-102001644-A-C. GRCh37 (hg19) VCF-style: chr14-102467981-A-C.
Other names: short protein forms N1502T.
Identifiers: ClinVar variation 2444690 (VCV002444690.1), dbSNP rs768457729, ClinGen allele CA391042748.